The following is an entry in ClinVar:

ClinVar aggregate classification (germline): Pathogenic. Review status: reviewed by expert panel (3 of 4 stars). 5 submissions from 5 submitters: Pathogenic (1). 4 of the submissions do not count toward it. Last evaluated 2021-07-27.

Conditions:
Ethylmalonic encephalopathy (EE). Also called: EPEMA syndrome; Encephalopathy, petechiae, and ethylmalonic aciduria; Syndrome of encephalopathy, petechiae, and ethylmalonic aciduria. Identifiers: Orphanet 51188, MedGen C1865349, MONDO:0011229, OMIM 602473. Disease mechanism: loss of function.

Allele frequency attached by ClinVar (database versions not stated): gnomAD 0.00001; gnomAD exomes 0.00001; TOPMed 0.00002.
gnomAD v4.1: 4 of 1,614,074 alleles (0.00025%); highest among the groups gnomAD compares: Admixed American, 0.0067%; no homozygotes.

Submissions (5):

ClinGen Mitochondrial Disease Nuclear and Mitochondrial  Variant Curation Expert Panel, ClinGen
Classification: Pathogenic for Ethylmalonic encephalopathy. Last evaluated: 2021-07-27. Review status: reviewed by expert panel. Criteria: clingen mito disease acmg specifications v1-1. Collection method: curation. Allele origin: germline. Inheritance: Autosomal recessive inheritance.
Comment: The c.505+1G>A variant (NM_014297.5) in ETHE1 occurs within the canonical splice donor/acceptor site (+1) of exon/intron 4 boundary (exon 4/7). It is predicted to cause aberrant splicing, resulting in a frameshift leading to nonsense mediated decay in a gene in which loss-of-function is an established disease mechanism (PVS1; PMID: 14732903). There is another pathogenic variant at this position (c.505+1G>T) for which Western blot analyses provided supportive evidence for nonsense mediated decay (PMID: 14732903). The highest population minor allele frequency in gnomAD v2.1.1 is 0.000008 (2/251,460 alleles) in the general population, which is lower than the ClinGen ETHE1 threshold < 0.00002 for PM2, meeting this criterion (PM2). This variant was originally reported in a homozygote with developmental delay, petechiae, orthostatic acrocyanosis, chronic diarrhea, and ethylmalonic aciduria which is a phenotype highly specific to ethylmalonic encephalopathy (PP4_moderate; PMID: 14732903 patient O). While there are at least 2 homozygotes of this variant with ethylmalonic encephalopathy reported to date, parental analyses have only been performed in one of these patients to confirm the variants were in trans (PM3_supporting; PMID: 29526615). In summary, this variant meets the criteria to be classified as pathogenic for Autosomal Recessive Ethylmalonic Encephalopathy. ACMG/AMP criteria applied, as specified by the ClinGen ETHE1 VCEP (version 1.0): PVS1, PM2, PM3_supporting, PP4_Moderate. Approved 7/6/2021.

Natera, Inc.
Classification: Pathogenic for Ethylmalonic encephalopathy. Last evaluated: 2025-10-10. Review status: criteria provided, single submitter. Criteria: Natera Variant Classification Schema (03/2026). Collection method: clinical testing. Allele origin: germline. Not counted in ClinVar's aggregate classification.
Comment: The c.505+1G>A variant in ETHE1 is a canonical splice donor site variant predicted to affect pre-mRNA splicing, which may result in an abnormal transcript and altered protein product. This variant is expected to result in nonsense mediated decay, truncation, or a dysfunctional protein product. This variant is rare in the general population with a frequency below the threshold expected for the associated phenotype(s). Another variant at this same site results in an alteration predicted to cause a similar molecular effect has been observed in individual(s) with the associated phenotype. Given the available evidence, this variant is classified as Pathogenic.

Labcorp Genetics (formerly Invitae), Labcorp
Classification: Pathogenic for Ethylmalonic encephalopathy. Last evaluated: 2023-12-04. Review status: criteria provided, single submitter. Criteria: Invitae Variant Classification Sherloc (09022015). Collection method: clinical testing. Allele origin: germline. Not counted in ClinVar's aggregate classification.
Comment: This sequence change affects a donor splice site in intron 4 of the ETHE1 gene. It is expected to disrupt RNA splicing. Variants that disrupt the donor or acceptor splice site typically lead to a loss of protein function (PMID: 16199547), and loss-of-function variants in ETHE1 are known to be pathogenic (PMID: 14732903, 19136963). This variant is present in population databases (no rsID available, gnomAD 0.006%). Disruption of this splice site has been observed in individuals with ETHE1-related conditions (PMID: 14732903). ClinVar contains an entry for this variant (Variation ID: 496427). Algorithms developed to predict the effect of sequence changes on RNA splicing suggest that this variant may disrupt the consensus splice site. For these reasons, this variant has been classified as Pathogenic.

Baylor Genetics
Classification: Pathogenic for Ethylmalonic encephalopathy. Last evaluated: 2023-01-18. Review status: criteria provided, single submitter. Criteria: ACMG Guidelines, 2015. Collection method: clinical testing. Allele origin: unknown. Not counted in ClinVar's aggregate classification.

Women's Health and Genetics/Laboratory Corporation of America, LabCorp
Classification: Likely pathogenic for Ethylmalonic encephalopathy. Last evaluated: 2017-08-21. Review status: criteria provided, single submitter. Criteria: LabCorp Variant Classification Summary - May 2015. Collection method: clinical testing. Allele origin: germline. Not counted in ClinVar's aggregate classification.
Comment: Variant summary: The ETHE1 c.505+1G>A variant involves the alteration of a conserved intronic nucleotide. One in silico tool predicts a damaging outcome for this variant. 5/5 splice prediction tools predict the complete loss of a canonical 5' splice donor site. However, these predictions have yet to be confirmed by functional studies. The variant has been reported in one affected individual in the literature in the homozygous state. This variant is absent in 121342 control chromosomes. Taken together, this variant is classified as likely pathogenic.

Literature cited by the submitters: PubMed 16199547 (cited by Labcorp Genetics (formerly Invitae), Labcorp); PubMed 14732903 (cited by Labcorp Genetics (formerly Invitae), Labcorp and Women's Health and Genetics/Laboratory Corporation of America, LabCorp); PubMed 19136963 (cited by Labcorp Genetics (formerly Invitae), Labcorp); PubMed 18593870 (cited by Women's Health and Genetics/Laboratory Corporation of America, LabCorp).

NM_014297.5(ETHE1):c.505+1G>A

Gene: ETHE1 (ETHE1 persulfide dioxygenase; minus strand). Cytogenetic location: 19q13.31.
Variant type: single nucleotide variant.
Coding change: c.505+1G>A on transcript NM_014297.5 (MANE Select); the canonical splice donor site of the intron after coding-DNA position 505, G replaced by A.
Molecular consequence: splice donor variant.
Genome position (GRCh38, 1-based): chr19:43,511,436, C>T on the plus strand (G>A on the coding strand, the complement: ETHE1 is on the minus strand). VCF-style: chr19-43511436-C-T. GRCh37 (hg19) VCF-style: chr19-44015588-C-T.
Other names: c.505+1G>A (NM_014297.4); c.211+1G>A (NM_001320869.2); c.136+1G>A (NM_001320868.2); c.472+1G>A (NM_001320867.2).
Identifiers: ClinVar variation 496427 (VCV000496427.12), dbSNP rs935855792, ClinGen allele CA308743496.
Genomic context (GRCh38, chr19:43,511,436, plus strand): 5'-TCAACACTTGACACACACGTAACTATATGAAGATCTTGGGCTGGATAAAGGAGCTGGTCA[C>T]CTTGCTGGAAGTCTGTCCGCCCACACCCACGGATCAACAGGGCATCTCCAGTGAAGGCCA-3'